The following is an entry in ClinVar:

ClinVar aggregate classification (germline): Pathogenic (1 of 4 stars; one submission).

Conditions:
Walker-Warburg congenital muscular dystrophy. Also called: Muscular dystrophy-dystroglycanopathy, type A; Walker-Warburg syndrome. Identifiers: Orphanet 899, MedGen C0265221, MONDO:0000171.
Muscular dystrophy-dystroglycanopathy (congenital with impaired intellectual development), type B, 1. Also called: MUSCULAR DYSTROPHY, CONGENITAL, POMT1-RELATED; Muscular dystrophy-dystroglycanopathy (congenital with intellectual disability), type B1. Identifiers: MedGen C5436962, MONDO:0013159, OMIM 613155.
Autosomal recessive limb-girdle muscular dystrophy type 2K. Also called: MUSCULAR DYSTROPHY-DYSTROGLYCANOPATHY (LIMB-GIRDLE), TYPE C, 1; MUSCULAR DYSTROPHY, LIMB-GIRDLE, TYPE 2K. Identifiers: Orphanet 86812, MedGen C1836373, MONDO:0012248, OMIM 609308.

Submission:

Labcorp Genetics (formerly Invitae), Labcorp
Classification: Pathogenic for Muscular dystrophy-dystroglycanopathy (congenital with impaired intellectual development), type B, 1; Walker-Warburg congenital muscular dystrophy; Autosomal recessive limb-girdle muscular dystrophy type 2K. Last evaluated: 2023-10-20. Review status: criteria provided, single submitter. Criteria: Invitae Variant Classification Sherloc (09022015). Collection method: clinical testing. Allele origin: germline.
Comment: This sequence change creates a premature translational stop signal (p.Thr347Leufs*5) in the POMT1 gene. It is expected to result in an absent or disrupted protein product. Loss-of-function variants in POMT1 are known to be pathogenic (PMID: 12369018, 15637732, 16575835). This variant is not present in population databases (gnomAD no frequency). This variant has not been reported in the literature in individuals affected with POMT1-related conditions. For these reasons, this variant has been classified as Pathogenic.

Literature cited by the submitters: PubMed 12369018; PubMed 15637732; PubMed 16575835.

NM_001077365.2(POMT1):c.972_973insCT (p.Thr325fs)

Gene: POMT1 (protein O-mannosyltransferase 1; plus strand). Cytogenetic location: 9q34.13.
Variant type: Insertion.
Coding change: c.972_973insCT on transcript NM_001077365.2 (MANE Select); coding-DNA positions 972 to 973, CT inserted.
Protein change: p.Thr325fs; shifts the reading frame from threonine 325.
Molecular consequence: frameshift variant. On other transcripts: 5 prime UTR variant (1), non-coding transcript variant (10).
Genome position: GRCh38 VCF-style: chr9-131511453-C-CCT. GRCh37 (hg19) VCF-style: chr9-134386840-C-CCT.
Other names: c.955_956insCT, p.His319fs (NM_001374689.1); c.972_973insCT, p.Thr325fs (NM_001374690.1, NM_001136113.2); c.621_622insCT, p.Thr208fs (NM_001374691.1, NM_001374692.1, NM_001136114.2 and 1 more transcripts); c.810_811insCT, p.Thr271fs (NM_001374693.1, NM_001077366.2, NM_001353194.2); c.582_583insCT, p.Thr195fs (NM_001374695.1); c.-165_-164insCT (NM_001411024.1); c.1038_1039insCT, p.Thr347fs (NM_007171.4, NM_001353193.2); c.882_883insCT, p.Thr295fs (NM_001353196.2); and 3 more; short protein forms T173fs, T230fs, H319fs, T195fs, T325fs, T347fs, T208fs, T293fs.
Identifiers: ClinVar variation 2953111 (VCV002953111.3), dbSNP rs2539179036, ClinGen allele CA2740092871.